The following is an entry in ClinVar:

ClinVar aggregate classification (germline): Benign (1 of 4 stars; one submission).

Conditions:
Tuberous sclerosis 1 (TSC1). Identifiers: Orphanet 805, MedGen C1854465, MONDO:0008612, OMIM 191100.

gnomAD v4.1: 1 of 1,614,092 alleles (0.000062%); highest among the groups gnomAD compares: Non-Finnish European, 0.000085%; no homozygotes.

Submission:

Myriad Genetics, Inc.
Classification: Benign for Tuberous sclerosis 1. Last evaluated: 2025-04-08. Review status: criteria provided, single submitter. Criteria: Myriad Autosomal Dominant, Autosomal Recessive and X-Linked Classification Criteria (2023). Collection method: clinical testing. Allele origin: unknown.
Comment: This variant is considered benign. This variant is a silent/synonymous amino acid change and it is not expected to impact splicing.

NM_000368.5(TSC1):c.624T>C (p.Ser208=)

Gene: TSC1 (TSC complex subunit 1; minus strand). Cytogenetic location: 9q34.13.
Variant type: single nucleotide variant.
Coding change: c.624T>C on transcript NM_000368.5 (MANE Select); coding-DNA position 624, T replaced by C.
Protein change: p.Ser208=; no amino-acid change (serine 208 retained).
Molecular consequence: synonymous variant. On other transcripts: 5 prime UTR variant (5), non-coding transcript variant (5).
Genome position (GRCh38, 1-based): chr9:132,921,858, A>G on the plus strand (T>C on the coding strand, the complement: TSC1 is on the minus strand). VCF-style: chr9-132921858-A-G. GRCh37 (hg19) VCF-style: chr9-135797245-A-G.
Other names: c.624T>C, p.Ser208= (NM_001406605.1, NM_001406606.1, NM_001406607.1 and 16 more transcripts); c.471T>C, p.Ser157= (NM_001406610.1, NM_001406611.1, NM_001406612.1 and 2 more transcripts); c.261T>C, p.Ser87= (NM_001406614.1, NM_001406615.1, NM_001406616.1 and 10 more transcripts); c.-254T>C (NM_001406626.1, NM_001406627.1, NM_001406628.1); c.-396T>C (NM_001406629.1); c.-470T>C (NM_001406630.1).
Identifiers: ClinVar variation 4071132 (VCV004071132.1).